The following is an entry in ClinVar:

ClinVar aggregate classification (germline): Uncertain significance (1 of 4 stars; one submission).

Conditions:
Combined immunodeficiency due to DOCK8 deficiency (HIES2). Also called: HIES autosomal recessive; DOCK8 Deficiency; Hyper-IgE recurrent infection syndrome, autosomal recessive; HYPER-IgE RECURRENT INFECTION SYNDROME 2, AUTOSOMAL RECESSIVE; HYPER-IgE SYNDROME 2, AUTOSOMAL RECESSIVE, WITH RECURRENT INFECTIONS. Identifiers: Orphanet 217390, MedGen C4722305, MONDO:0009478, OMIM 243700.

Submission:

Labcorp Genetics (formerly Invitae), Labcorp
Classification: Uncertain significance for Combined immunodeficiency due to DOCK8 deficiency. Last evaluated: 2022-10-13. Review status: criteria provided, single submitter. Criteria: Invitae Variant Classification Sherloc (09022015). Collection method: clinical testing. Allele origin: germline.
Comment: This sequence change replaces valine, which is neutral and non-polar, with isoleucine, which is neutral and non-polar, at codon 1181 of the DOCK8 protein (p.Val1181Ile). In summary, the available evidence is currently insufficient to determine the role of this variant in disease. Therefore, it has been classified as a Variant of Uncertain Significance. Advanced modeling of protein sequence and biophysical properties (such as structural, functional, and spatial information, amino acid conservation, physicochemical variation, residue mobility, and thermodynamic stability) performed at Invitae indicates that this missense variant is not expected to disrupt DOCK8 protein function. This variant has not been reported in the literature in individuals affected with DOCK8-related conditions. This variant is not present in population databases (gnomAD no frequency).

NM_203447.4(DOCK8):c.3541G>A (p.Val1181Ile)

Gene: DOCK8 (dedicator of cytokinesis 8; plus strand). Cytogenetic location: 9p24.3.
Variant type: single nucleotide variant.
Coding change: c.3541G>A on transcript NM_203447.4 (MANE Select); coding-DNA position 3541, G replaced by A.
Protein change: p.Val1181Ile; replaces valine 1181 with isoleucine.
Molecular consequence: missense variant.
Genome position (GRCh38, 1-based): chr9:414,792, G>A. VCF-style: chr9-414792-G-A. GRCh37 (hg19) VCF-style: chr9-414792-G-A.
Other names: c.3241G>A, p.Val1081Ile (NM_001190458.2); c.3337G>A, p.Val1113Ile (NM_001193536.2); short protein forms V1113I, V1181I, V1081I.
Identifiers: ClinVar variation 2192782 (VCV002192782.4), dbSNP rs2538744235, ClinGen allele CA372760209.